The following is an entry in ClinVar:

NM_201384.3(PLEC):c.2662G>T (p.Val888Leu)

Gene: PLEC (plectin; minus strand). Cytogenetic location: 8q24.3.
Variant type: single nucleotide variant.
Coding change: c.2662G>T on transcript NM_201384.3 (MANE Select); coding-DNA position 2662, G replaced by T.
Protein change: p.Val888Leu; replaces valine 888 with leucine.
Molecular consequence: missense variant.
Genome position (GRCh38, 1-based): chr8:143,930,013, C>A on the plus strand (G>T on the coding strand, the complement: PLEC is on the minus strand). VCF-style: chr8-143930013-C-A. GRCh37 (hg19) VCF-style: chr8-145004181-C-A.
Other names: c.2743G>T, p.Val915Leu (NM_000445.5); c.2620G>T, p.Val874Leu (NM_201378.4); c.2596G>T, p.Val866Leu (NM_201379.3); c.3073G>T, p.Val1025Leu (NM_201380.4); c.2566G>T, p.Val856Leu (NM_201381.3); c.2662G>T, p.Val888Leu (NM_201382.4); c.2674G>T, p.Val892Leu (NM_201383.3); short protein forms V866L, V1025L, V874L, V888L, V892L, V915L, V856L.
Identifiers: ClinVar variation 1482198 (VCV001482198.8), dbSNP rs377225173, ClinGen allele CA372573310.

ClinVar aggregate classification (germline): Uncertain significance (1 of 4 stars; one submission).

Conditions:
Autosomal recessive limb-girdle muscular dystrophy type 2Q (LGMDR17). Also called: MUSCULAR DYSTROPHY, LIMB-GIRDLE, AUTOSOMAL RECESSIVE 17. Identifiers: Orphanet 254361, MedGen C3150989, MONDO:0013390, OMIM 613723.
Epidermolysis bullosa simplex 5B, with muscular dystrophy (EBS5B). Also called: EPIDERMOLYSIS BULLOSA SIMPLEX AND LIMB-GIRDLE MUSCULAR DYSTROPHY; Epidermolysis bullosa simplex with muscular dystrophy. Identifiers: Orphanet 257, MedGen C2931072, MONDO:0009181, OMIM 226670.
Epidermolysis bullosa simplex, Ogna type (EBS5A). Also called: Pidermolysis bullosa simplex 5A, Ogna type; EPIDERMOLYSIS BULLOSA SIMPLEX 5A, OGNA TYPE. Identifiers: Orphanet 79401, MedGen C0432317, MONDO:0007555, OMIM 131950.
Epidermolysis bullosa simplex with nail dystrophy (EBS5D). Identifiers: MedGen C4225309, MONDO:0014661, OMIM 616487.
Epidermolysis bullosa simplex 5C, with pyloric atresia (EBS5C). Also called: Epidermolysis bullosa simplex with pyloric atresia; PLEC1-Related Epidermolysis Bullosa with Pyloric Atresia; PLEC-Related Epidermolysis Bullosa with Pyloric Atresia. Identifiers: Orphanet 158684, MedGen C2677349, MONDO:0012807, OMIM 612138.

gnomAD v4.1: 5 of 1,612,290 alleles (0.00031%); highest among the groups gnomAD compares: Non-Finnish European, 0.00042%; no homozygotes.

Submission:

Labcorp Genetics (formerly Invitae), Labcorp
Classification: Uncertain significance for Autosomal recessive limb-girdle muscular dystrophy type 2Q; Epidermolysis bullosa simplex, Ogna type; Epidermolysis bullosa simplex with nail dystrophy; Epidermolysis bullosa simplex 5C, with pyloric atresia; Epidermolysis bullosa simplex 5B, with muscular dystrophy. Last evaluated: 2020-12-16. Review status: criteria provided, single submitter. Criteria: Invitae Variant Classification Sherloc (09022015). Collection method: clinical testing. Allele origin: germline.
Comment: In summary, the available evidence is currently insufficient to determine the role of this variant in disease. Therefore, it has been classified as a Variant of Uncertain Significance. Algorithms developed to predict the effect of missense changes on protein structure and function are either unavailable or do not agree on the potential impact of this missense change (SIFT: "Deleterious"; PolyPhen-2: "Not Available"; Align-GVGD: "Class C0"). This variant has not been reported in the literature in individuals with PLEC-related conditions. This variant is not present in population databases (ExAC no frequency). This sequence change replaces valine with leucine at codon 915 of the PLEC protein (p.Val915Leu). The valine residue is highly conserved and there is a small physicochemical difference between valine and leucine.